The following is an entry in ClinVar:

ClinVar aggregate classification (germline): Conflicting classifications of pathogenicity. Review status: criteria provided, conflicting classifications (1 of 4 stars). 6 submissions from 6 submitters: Uncertain significance (4); Likely benign (1). 1 of the submissions does not count toward it. Last evaluated 2026-07-10.

Conditions:
Inborn genetic diseases. Identifiers: MedGen C0950123, MeSH D030342.
Retinal dystrophy. Also called: Inherited retinal dystrophy. Identifiers: Orphanet 71862, MedGen C0854723, MeSH D058499, MONDO:0019118, HP:0000556.

Allele frequency attached by ClinVar (database versions not stated): gnomAD exomes 0.00010; ExAC 0.00012; 1000 Genomes Project 30x 0.00016; 1000 Genomes Project 0.00020; ESP Exome Variant Server 0.00031; gnomAD 0.00032 and 0.00033; TOPMed 0.00032.
gnomAD v4.1: 199 of 1,613,784 alleles (0.012%); highest among the groups gnomAD compares: African/African-American, 0.11%; no homozygotes.

Submissions (6):

GeneDx
Classification: Uncertain significance. Last evaluated: 2026-07-10. Review status: criteria provided, single submitter. Criteria: GeneDx Variant Classification Process June 2021. Collection method: clinical testing. Allele origin: germline.
Comment: In silico analysis supports that this missense variant has a deleterious effect on protein structure/function; Has not been previously published as pathogenic or benign to our knowledge

Labcorp Genetics (formerly Invitae), Labcorp
Classification: Uncertain significance. Last evaluated: 2024-10-24. Review status: criteria provided, single submitter. Criteria: Invitae Variant Classification Sherloc (09022015). Collection method: clinical testing. Allele origin: germline.
Comment: This sequence change replaces arginine, which is basic and polar, with tryptophan, which is neutral and slightly polar, at codon 2534 of the LAMA1 protein (p.Arg2534Trp). This variant is present in population databases (rs376978539, gnomAD 0.1%). This variant has not been reported in the literature in individuals affected with LAMA1-related conditions. ClinVar contains an entry for this variant (Variation ID: 1428126). An algorithm developed to predict the effect of missense changes on protein structure and function (PolyPhen-2) suggests that this variant is likely to be disruptive. In summary, the available evidence is currently insufficient to determine the role of this variant in disease. Therefore, it has been classified as a Variant of Uncertain Significance.

Women's Health and Genetics/Laboratory Corporation of America, LabCorp
Classification: Uncertain significance. Last evaluated: 2024-10-11. Review status: criteria provided, single submitter. Criteria: LabCorp Variant Classification Summary - May 2015. Collection method: clinical testing. Allele origin: germline.
Comment: Variant summary: LAMA1 c.7600C>T (p.Arg2534Trp) results in a non-conservative amino acid change located in the Laminin G domain (IPR001791) of the encoded protein sequence. Three of five in-silico tools predict a damaging effect of the variant on protein function. The variant allele was found at a frequency of 9.6e-05 in 251128 control chromosomes. This frequency is not significantly higher than estimated for a pathogenic variant in LAMA1 causing Ataxia-Intellectual Disability-Oculomotor Apraxia-Cerebellar Cysts Syndrome, allowing no conclusion about variant significance. To our knowledge, no occurrence of c.7600C>T in individuals affected with Ataxia-Intellectual Disability-Oculomotor Apraxia-Cerebellar Cysts Syndrome and no experimental evidence demonstrating its impact on protein function have been reported. ClinVar contains an entry for this variant (Variation ID: 1428126). Based on the evidence outlined above, the variant was classified as uncertain significance.

Blueprint Genetics
Classification: Likely benign. Last evaluated: 2024-09-12. Review status: criteria provided, single submitter. Criteria: ACMG Guidelines, 2015. Collection method: clinical testing. Allele origin: germline.

Ambry Genetics
Classification: Uncertain significance for Inborn genetic diseases. Last evaluated: 2024-05-21. Review status: criteria provided, single submitter. Criteria: Ambry Variant Classification Scheme 2023. Collection method: clinical testing. Allele origin: germline.

Institute of Human Genetics, Univ. Regensburg, Univ. Regensburg
Classification: Uncertain significance for Retinal dystrophy. Last evaluated: 2023-01-01. Review status: no assertion criteria provided. Criteria: ACMG Guidelines, 2015. Collection method: clinical testing. Allele origin: germline. Affected: yes. Not counted in ClinVar's aggregate classification.

NM_005559.4(LAMA1):c.7600C>T (p.Arg2534Trp)

Gene: LAMA1 (laminin subunit alpha 1; minus strand). Cytogenetic location: 18p11.31.
Variant type: single nucleotide variant.
Coding change: c.7600C>T on transcript NM_005559.4 (MANE Select); coding-DNA position 7600, C replaced by T.
Protein change: p.Arg2534Trp; replaces arginine 2534 with tryptophan.
Molecular consequence: missense variant.
Genome position (GRCh38, 1-based): chr18:6,961,612, G>A on the plus strand (C>T on the coding strand, the complement: LAMA1 is on the minus strand). VCF-style: chr18-6961612-G-A. GRCh37 (hg19) VCF-style: chr18-6961611-G-A.
Other names: c.7600C>T (NM_005559.3); short protein forms R2534W.
Identifiers: ClinVar variation 1428126 (VCV001428126.12), dbSNP rs376978539, ClinGen allele CA8880851.